The following is an entry in ClinVar:

ClinVar aggregate classification (germline): Uncertain significance. Review status: criteria provided, multiple submitters, no conflicts (2 of 4 stars). 2 submissions from 2 submitters: Uncertain significance (2). Last evaluated 2025-08-13.

Conditions:
ALG1-congenital disorder of glycosylation. Also called: ALG1-CDG; CONGENITAL DISORDER OF GLYCOSYLATION, TYPE Ik; CDG Ik. Identifiers: Orphanet 79327, MedGen C2931005, MONDO:0012052, OMIM 608540.

Allele frequency attached by ClinVar (database versions not stated): gnomAD 0.00002; gnomAD exomes 0.00002; ExAC 0.00005; 1000 Genomes Project 30x 0.00031; 1000 Genomes Project 0.00040.
gnomAD v4.1: 38 of 1,614,190 alleles (0.0024%); highest among the groups gnomAD compares: South Asian, 0.041%; no homozygotes.

Submissions (2):

Labcorp Genetics (formerly Invitae), Labcorp
Classification: Uncertain significance for ALG1-congenital disorder of glycosylation. Last evaluated: 2025-08-13. Review status: criteria provided, single submitter. Criteria: Invitae Variant Classification Sherloc (09022015). Collection method: clinical testing. Allele origin: germline.
Comment: This sequence change replaces glutamic acid, which is acidic and polar, with alanine, which is neutral and non-polar, at codon 201 of the ALG1 protein (p.Glu201Ala). This variant is present in population databases (rs551920948, gnomAD 0.05%). This variant has not been reported in the literature in individuals affected with ALG1-related conditions. ClinVar contains an entry for this variant (Variation ID: 2044523). Invitae Evidence Modeling of protein sequence and biophysical properties (such as structural, functional, and spatial information, amino acid conservation, physicochemical variation, residue mobility, and thermodynamic stability) indicates that this missense variant is not expected to disrupt ALG1 protein function with a negative predictive value of 80%. In summary, the available evidence is currently insufficient to determine the role of this variant in disease. Therefore, it has been classified as a Variant of Uncertain Significance.

Fulgent Genetics
Classification: Uncertain significance for ALG1-congenital disorder of glycosylation. Last evaluated: 2024-06-14. Review status: criteria provided, single submitter. Criteria: ACMG Guidelines, 2015. Collection method: clinical testing. Allele origin: germline.

NM_019109.5(ALG1):c.602A>C (p.Glu201Ala)

Gene: ALG1 (ALG1 chitobiosyldiphosphodolichol beta-mannosyltransferase; plus strand). Cytogenetic location: 16p13.3.
Variant type: single nucleotide variant.
Coding change: c.602A>C on transcript NM_019109.5 (MANE Select); coding-DNA position 602, A replaced by C.
Protein change: p.Glu201Ala; replaces glutamic acid 201 with alanine.
Molecular consequence: missense variant.
Genome position (GRCh38, 1-based): chr16:5,077,507, A>C. VCF-style: chr16-5077507-A-C. GRCh37 (hg19) VCF-style: chr16-5127508-A-C.
Other names: c.269A>C, p.Glu90Ala (NM_001330504.2); short protein forms E90A, E201A.
Identifiers: ClinVar variation 2044523 (VCV002044523.3), dbSNP rs551920948, ClinGen allele CA7889906.
Genomic context (GRCh38, chr16:5,077,507, plus strand): 5'-ACGAGAAGTTCTTTGGGCGCCTGTCCCACCTGAACCTGTGTGTTACCAATGCTATGCGAG[A>C]AGACCTGGCGGATAACTGGCACATCAGGTACCATGGCCTGGGATGACGGCGGCCTGGGAG-3'
Protein context (NP_061982.3, residues 191-211): LNLCVTNAMR[Glu201Ala]DLADNWHIRA